The following is an entry in ClinVar:

ClinVar aggregate classification (germline): Uncertain significance. Review status: criteria provided, multiple submitters, no conflicts (2 of 4 stars). 2 submissions from 2 submitters: Uncertain significance (2). Last evaluated 2024-04-04.

Conditions:
Developmental and epileptic encephalopathy, 53. Also called: Epileptic encephalopathy, early infantile, 53. Identifiers: MedGen C4479313, MONDO:0033362, OMIM 617389.
Early-onset Parkinson disease 20. Also called: PARKINSON DISEASE 20, AUTOSOMAL RECESSIVE EARLY-ONSET. Identifiers: Orphanet 391411, MedGen C3809824, MONDO:0014233, OMIM 615530.

Allele frequency attached by ClinVar (database versions not stated): gnomAD 0.00001; gnomAD exomes 0.00001.
gnomAD v4.1: 6 of 1,613,300 alleles (0.00037%); highest among the groups gnomAD compares: Admixed American, 0.0033%; no homozygotes.

Submissions (2):

Genomic Medicine Center of Excellence, King Faisal Specialist Hospital and Research Centre
Classification: Uncertain significance for Early-onset Parkinson disease 20. Last evaluated: 2024-04-04. Review status: criteria provided, single submitter. Criteria: ACMG Guidelines, 2015. Collection method: clinical testing. Allele origin: germline.

Labcorp Genetics (formerly Invitae), Labcorp
Classification: Uncertain significance for Developmental and epileptic encephalopathy, 53; Early-onset Parkinson disease 20. Last evaluated: 2022-08-22. Review status: criteria provided, single submitter. Criteria: Invitae Variant Classification Sherloc (09022015). Collection method: clinical testing. Allele origin: germline.
Comment: This sequence change replaces tyrosine, which is neutral and polar, with histidine, which is basic and polar, at codon 479 of the SYNJ1 protein (p.Tyr479His). This variant is present in population databases (no rsID available, gnomAD 0.004%). This variant has not been reported in the literature in individuals affected with SYNJ1-related conditions. ClinVar contains an entry for this variant (Variation ID: 1385291). Algorithms developed to predict the effect of missense changes on protein structure and function are either unavailable or do not agree on the potential impact of this missense change (SIFT: "Deleterious"; PolyPhen-2: "Benign"; Align-GVGD: "Class C0"). In summary, the available evidence is currently insufficient to determine the role of this variant in disease. Therefore, it has been classified as a Variant of Uncertain Significance.

NM_203446.3(SYNJ1):c.1318T>C (p.Tyr440His)

Gene: SYNJ1 (synaptojanin 1; minus strand). Cytogenetic location: 21q22.11.
Variant type: single nucleotide variant.
Coding change: c.1318T>C on transcript NM_203446.3 (MANE Select); coding-DNA position 1318, T replaced by C.
Protein change: p.Tyr440His; replaces tyrosine 440 with histidine.
Molecular consequence: missense variant.
Genome position (GRCh38, 1-based): chr21:32,681,531, A>G on the plus strand (T>C on the coding strand, the complement: SYNJ1 is on the minus strand). VCF-style: chr21-32681531-A-G. GRCh37 (hg19) VCF-style: chr21-34053841-A-G.
Other names: c.1318T>C, p.Tyr440His (NM_001160302.2, NM_001160306.2); c.1435T>C, p.Tyr479His (NM_003895.4); short protein forms Y440H, Y479H.
Identifiers: ClinVar variation 1385291 (VCV001385291.4), dbSNP rs1454342974, ClinGen allele CA410089801.
Genomic context (GRCh38, chr21:32,681,531, plus strand): 5'-AATGTTATGATAGATCTAGATATACCTTCGCTTTCCCTTCAAGAGCTCCAGTTCCTGCAT[A>G]TATCTTACTGATTGAATCACCATTCACGGACCACATTGACCGAAAAACTTCTTGAAAGCG-3'
Protein context (NP_982271.3, residues 430-450): SVNGDSISKI[Tyr440His]AGTGALEGKA